The following is an entry in ClinVar:

NM_002941.4(ROBO1):c.1343-3C>A

Gene: ROBO1 (roundabout guidance receptor 1; minus strand). Cytogenetic location: 3p12.3.
Variant type: single nucleotide variant.
Coding change: c.1343-3C>A on transcript NM_002941.4 (MANE Select); 3 bases into the intron before coding-DNA position 1343, C replaced by A.
Molecular consequence: intron variant.
Genome position (GRCh38, 1-based): chr3:78,670,304, G>T on the plus strand (C>A on the coding strand, the complement: ROBO1 is on the minus strand). VCF-style: chr3-78670304-G-T. GRCh37 (hg19) VCF-style: chr3-78719454-G-T.
Other names: c.1235-3C>A (NM_001145845.2, NM_133631.4).
Identifiers: ClinVar variation 2072767 (VCV002072767.4), dbSNP rs377241856, ClinGen allele CA2498982.

ClinVar aggregate classification (germline): Uncertain significance (1 of 4 stars; one submission).

Allele frequency attached by ClinVar (database versions not stated): gnomAD exomes 0.00001; ESP Exome Variant Server 0.00008; ExAC 0.00009; gnomAD 0.00017; TOPMed 0.00026; 1000 Genomes Project 30x 0.00031.
gnomAD v4.1: 41 of 1,555,096 alleles (0.0026%); highest among the groups gnomAD compares: African/African-American, 0.054%; no homozygotes.

Submission:

Labcorp Genetics (formerly Invitae), Labcorp
Classification: Uncertain significance. Last evaluated: 2025-06-27. Review status: criteria provided, single submitter. Criteria: Invitae Variant Classification Sherloc (09022015). Collection method: clinical testing. Allele origin: germline.
Comment: This sequence change falls in intron 10 of the ROBO1 gene. It does not directly change the encoded amino acid sequence of the ROBO1 protein. It affects a nucleotide within the consensus splice site. This variant is present in population databases (rs377241856, gnomAD 0.06%). This variant has not been reported in the literature in individuals affected with ROBO1-related conditions. ClinVar contains an entry for this variant (Variation ID: 2072767). Variants that disrupt the consensus splice site are a relatively common cause of aberrant splicing (PMID: 17576681, 9536098). Algorithms developed to predict the effect of sequence changes on RNA splicing suggest that this variant may disrupt the consensus splice site. In summary, the available evidence is currently insufficient to determine the role of this variant in disease. Therefore, it has been classified as a Variant of Uncertain Significance.

Literature cited by the submitters: PubMed 17576681; PubMed 9536098.